The following is an entry in ClinVar:

NM_001830.4(CLCN4):c.1130C>T (p.Thr377Ile)

Gene: CLCN4 (chloride voltage-gated channel 4; plus strand). Cytogenetic location: Xp22.2.
Variant type: single nucleotide variant.
Coding change: c.1130C>T on transcript NM_001830.4 (MANE Select); coding-DNA position 1130, C replaced by T.
Protein change: p.Thr377Ile; replaces threonine 377 with isoleucine.
Molecular consequence: missense variant.
Genome position (GRCh38, 1-based): chrX:10,208,331, C>T. VCF-style: chrX-10208331-C-T. GRCh37 (hg19) VCF-style: chrX-10176371-C-T.
Other names: c.848C>T, p.Thr283Ile (NM_001256944.2); short protein forms T283I, T377I.
Identifiers: ClinVar variation 3343840 (VCV003343840.1).

ClinVar aggregate classification (germline): Uncertain significance (1 of 4 stars; one submission).

Submission:

GeneDx
Classification: Uncertain significance. Last evaluated: 2024-01-10. Review status: criteria provided, single submitter. Criteria: GeneDx Variant Classification Process June 2021. Collection method: clinical testing. Allele origin: germline. Affected: yes.
Comment: Not observed at significant frequency in large population cohorts (gnomAD); In silico analysis supports that this missense variant has a deleterious effect on protein structure/function; Has not been previously published as pathogenic or benign to our knowledge